The following is an entry in ClinVar:

NM_001276270.2(MBD4):c.897C>T (p.Thr299=)

Gene: MBD4 (methyl-CpG binding domain 4, DNA glycosylase; minus strand). Cytogenetic location: 3q21.3.
Variant type: single nucleotide variant.
Coding change: c.897C>T on transcript NM_001276270.2 (MANE Select); coding-DNA position 897, C replaced by T.
Protein change: p.Thr299=; no amino-acid change (threonine 299 retained).
Molecular consequence: synonymous variant. On other transcripts: intron variant (1).
Genome position (GRCh38, 1-based): chr3:129,436,747, G>A on the plus strand (C>T on the coding strand, the complement: MBD4 is on the minus strand). VCF-style: chr3-129436747-G-A. GRCh37 (hg19) VCF-style: chr3-129155590-G-A.
Other names: c.897C>T, p.Thr299= (NM_001276271.2, NM_001276272.2, NM_003925.3); c.247+1061C>T (NM_001276273.2).
Identifiers: ClinVar variation 4104646 (VCV004104646.2).

ClinVar aggregate classification (germline): Benign/Likely benign. Review status: criteria provided, multiple submitters, no conflicts (2 of 4 stars). 2 submissions from 2 submitters: Benign (1); Likely benign (1). Last evaluated 2026-06-10.

Conditions:
Inborn genetic diseases. Identifiers: MedGen C0950123, MeSH D030342.
Tumor predisposition syndrome 2 (TPDS2). Also called: MBD4-ASSOCIATED NEOPLASIA SYNDROME; MBD4-Related Tumor Predisposition Syndrome; MBD4-associated neoplasia syndrome (MANS). Identifiers: Orphanet 661526, MedGen C5774186, MONDO:0859267, OMIM 619975.

gnomAD v4.1: 2 of 1,613,606 alleles (0.00012%); highest among the groups gnomAD compares: South Asian, 0.0011%; no homozygotes.

Submissions (2):

Myriad Genetics, Inc.
Classification: Benign for Tumor predisposition syndrome 2. Last evaluated: 2026-06-10. Review status: criteria provided, single submitter. Criteria: Myriad Autosomal Dominant, Autosomal Recessive and X-Linked Classification Criteria (2023). Collection method: clinical testing. Allele origin: unknown.
Comment: This variant is considered benign. This variant is a silent/synonymous amino acid change and it is not expected to impact splicing.

Ambry Genetics
Classification: Likely benign for Inborn genetic diseases. Last evaluated: 2025-08-12. Review status: criteria provided, single submitter. Criteria: Ambry Variant Classification Scheme 2023. Collection method: clinical testing. Allele origin: germline.